The following is an entry in ClinVar:

NM_022042.4(SLC26A1):c.536G>A (p.Arg179His)

Genes: IDUA (alpha-L-iduronidase; plus strand), SLC26A1 (solute carrier family 26 member 1; minus strand). Cytogenetic location: 4p16.3.
Variant type: single nucleotide variant.
Coding change: c.536G>A on transcript NM_022042.4 (MANE Select); coding-DNA position 536, G replaced by A.
Protein change: p.Arg179His; replaces arginine 179 with histidine.
Molecular consequence: missense variant. On other transcripts: intron variant (1).
Genome position (GRCh38, 1-based): chr4:991,168, C>T on the plus strand (G>A on the coding strand, the complement: SLC26A1 is on the minus strand). VCF-style: chr4-991168-C-T. GRCh37 (hg19) VCF-style: chr4-984956-C-T.
Other names: c.536G>A, p.Arg179His (NM_134425.4, NM_213613.4); c.299+3219C>T (NM_000203.5); c.536G>A (NM_213613.2); short protein forms R179H.
Identifiers: ClinVar variation 3591524 (VCV003591524.4).
Genomic context (GRCh38, chr4:991,168, plus strand): 5'-GCCCAAGCAGGGCTCCTCACCTGGTAAAGCCCGGTCATCAGCGTGAGGGCGGTGGCGACA[C>T]GGATGGCGTAGCAGTCACGCCCGCAGTCCAGCATGGCAGCCGAGCCGTTGAGGGTGCTGC-3'
Protein context (NP_071325.2, residues 169-189): LDCGRDCYAI[Arg179His]VATALTLMTG

ClinVar aggregate classification (germline): Uncertain significance. Review status: criteria provided, multiple submitters, no conflicts (2 of 4 stars). 3 submissions from 3 submitters: Uncertain significance (3). Last evaluated 2025-08-03.

Conditions:
Inborn genetic diseases. Identifiers: MedGen C0950123, MeSH D030342.
Hypersulfaturia (HYSULF). Identifiers: MedGen C5830511, MONDO:0957268, OMIM 620372.
Nephrolithiasis susceptibility caused by SLC26A1 (CAON1). Also called: NEPHROLITHIASIS, CALCIUM OXALATE, 1. Identifiers: MedGen C5779632, MONDO:0020722, OMIM 167030.

gnomAD v4.1: 71 of 1,566,284 alleles (0.0045%); highest among the groups gnomAD compares: African/African-American, 0.024%; no homozygotes.

Submissions (3):

Labcorp Genetics (formerly Invitae), Labcorp
Classification: Uncertain significance. Last evaluated: 2025-08-03. Review status: criteria provided, single submitter. Criteria: Invitae Variant Classification Sherloc (09022015). Collection method: clinical testing. Allele origin: germline.
Comment: This sequence change replaces arginine, which is basic and polar, with histidine, which is basic and polar, at codon 179 of the SLC26A1 protein (p.Arg179His). This variant is present in population databases (rs148387257, gnomAD 0.03%). This variant has not been reported in the literature in individuals affected with SLC26A1-related conditions. ClinVar contains an entry for this variant (Variation ID: 3591524). Invitae Evidence Modeling of protein sequence and biophysical properties (such as structural, functional, and spatial information, amino acid conservation, physicochemical variation, residue mobility, and thermodynamic stability) indicates that this missense variant is not expected to disrupt SLC26A1 protein function with a negative predictive value of 80%. In summary, the available evidence is currently insufficient to determine the role of this variant in disease. Therefore, it has been classified as a Variant of Uncertain Significance.

Ambry Genetics
Classification: Uncertain significance for Inborn genetic diseases. Last evaluated: 2025-01-27. Review status: criteria provided, single submitter. Criteria: Ambry Variant Classification Scheme 2023. Collection method: clinical testing. Allele origin: germline.

Fulgent Genetics
Classification: Uncertain significance for Nephrolithiasis susceptibility caused by SLC26A1; Hypersulfaturia. Last evaluated: 2024-04-19. Review status: criteria provided, single submitter. Criteria: ACMG Guidelines, 2015. Collection method: clinical testing. Allele origin: germline.